The following is an entry in ClinVar:

NM_006206.6(PDGFRA):c.3200T>C (p.Ile1067Thr)

Gene: PDGFRA (platelet derived growth factor receptor alpha; plus strand). Cytogenetic location: 4q12.
Variant type: single nucleotide variant.
Coding change: c.3200T>C on transcript NM_006206.6 (MANE Select); coding-DNA position 3200, T replaced by C.
Protein change: p.Ile1067Thr; replaces isoleucine 1067 with threonine.
Molecular consequence: missense variant.
Genome position (GRCh38, 1-based): chr4:54,295,202, T>C. VCF-style: chr4-54295202-T-C. GRCh37 (hg19) VCF-style: chr4-55161369-T-C.
Other names: c.3275T>C, p.Ile1092Thr (NM_001347828.2); c.3200T>C, p.Ile1067Thr (NM_001347829.2); c.3239T>C, p.Ile1080Thr (NM_001347830.2); short protein forms I1067T, I1080T, I1092T.
Identifiers: ClinVar variation 653719 (VCV000653719.10), dbSNP rs1346616192, ClinGen allele CA16622010.

ClinVar aggregate classification (germline): Uncertain significance. Review status: criteria provided, multiple submitters, no conflicts (2 of 4 stars). 4 submissions from 4 submitters: Uncertain significance (4). Last evaluated 2026-04-10.

Conditions:
Polyps, multiple and recurrent inflammatory fibroid, gastrointestinal. Identifiers: MedGen C5193005, MONDO:0008285, OMIM 175510.
Idiopathic hypereosinophilic syndrome (HES). Identifiers: Orphanet 3260, MedGen C0206141, MONDO:0011895, OMIM 607685. Disease mechanism: gain of function.
Hereditary cancer-predisposing syndrome. Also called: Neoplastic Syndromes, Hereditary; Tumor predisposition; Hereditary Cancer Syndrome; Hereditary neoplastic syndrome. Identifiers: Orphanet 140162, MedGen C0027672, MeSH D009386, MONDO:0015356.
Gastrointestinal stromal tumor. Also called: Gastrointestinal stromal tumor, somatic; Gastrointestinal stroma tumor. Identifiers: Orphanet 44890, MedGen C0238198, MeSH D046152, MONDO:0011719, OMIM 606764, HP:0100723.

Allele frequency attached by ClinVar (database versions not stated): gnomAD exomes below 0.00001 and 0.00001; gnomAD 0.00001.
gnomAD v4.1: 16 of 1,613,690 alleles (0.00099%); highest among the groups gnomAD compares: Non-Finnish European, 0.0013%; no homozygotes.

Submissions (4):

Ambry Genetics
Classification: Uncertain significance for Hereditary cancer-predisposing syndrome. Last evaluated: 2026-04-10. Review status: criteria provided, single submitter. Criteria: Ambry Variant Classification Scheme 2023. Collection method: clinical testing. Allele origin: germline.
Comment: The p.I1067T variant (also known as c.3200T>C), located in coding exon 22 of the PDGFRA gene, results from a T to C substitution at nucleotide position 3200. The isoleucine at codon 1067 is replaced by threonine, an amino acid with similar properties. This amino acid position is not well conserved in available vertebrate species. In addition, this alteration is predicted to be tolerated by in silico analysis. Based on the available evidence, the clinical significance of this variant remains unclear.

Labcorp Genetics (formerly Invitae), Labcorp
Classification: Uncertain significance for Gastrointestinal stromal tumor. Last evaluated: 2026-01-14. Review status: criteria provided, single submitter. Criteria: Invitae Variant Classification Sherloc (09022015). Collection method: clinical testing. Allele origin: germline.
Comment: This sequence change replaces isoleucine, which is neutral and non-polar, with threonine, which is neutral and polar, at codon 1067 of the PDGFRA protein (p.Ile1067Thr). This variant is present in population databases (no rsID available, gnomAD 0.006%). This variant has not been reported in the literature in individuals affected with PDGFRA-related conditions. ClinVar contains an entry for this variant (Variation ID: 653719). An algorithm developed to predict the effect of missense changes on protein structure and function (PolyPhen-2) suggests that this variant is likely to be disruptive. In summary, the available evidence is currently insufficient to determine the role of this variant in disease. Therefore, it has been classified as a Variant of Uncertain Significance.

Baylor Genetics
Classification: Uncertain significance for Polyps, multiple and recurrent inflammatory fibroid, gastrointestinal. Last evaluated: 2024-02-16. Review status: criteria provided, single submitter. Criteria: ACMG Guidelines, 2015. Collection method: clinical testing. Allele origin: unknown.

Fulgent Genetics
Classification: Uncertain significance for Polyps, multiple and recurrent inflammatory fibroid, gastrointestinal; Idiopathic hypereosinophilic syndrome. Last evaluated: 2021-08-04. Review status: criteria provided, single submitter. Criteria: ACMG Guidelines, 2015. Collection method: clinical testing. Allele origin: unknown.